The following is an entry in ClinVar:

NM_001378454.1(ALMS1):c.2530G>A (p.Ala844Thr)

Gene: ALMS1 (ALMS1 centrosome and basal body associated protein; plus strand). Cytogenetic location: 2p13.1.
Variant type: single nucleotide variant.
Coding change: c.2530G>A on transcript NM_001378454.1 (MANE Select); coding-DNA position 2530, G replaced by A.
Protein change: p.Ala844Thr; replaces alanine 844 with threonine.
Molecular consequence: missense variant.
Genome position (GRCh38, 1-based): chr2:73,449,057, G>A. VCF-style: chr2-73449057-G-A. GRCh37 (hg19) VCF-style: chr2-73676184-G-A.
Other names: c.2533G>A, p.Ala845Thr (NM_015120.4); short protein forms A844T, A845T.
Identifiers: ClinVar variation 2630482 (VCV002630482.1), dbSNP rs2466094909, ClinGen allele CA347270428.
Genomic context (GRCh38, chr2:73,449,057, plus strand): 5'-GCCTTGCTGGACAGCCATCTACCCGAAGAGGCTCTGAAAGTTTCAGCTGTTTCTGGACCA[G>A]CTGACGGAAAGACTGGGACACCAGCTGTAACCTCTACTTCCTCTGCGTCCTCTTCACTTG-3'
Protein context (NP_001365383.1, residues 834-854): ALKVSAVSGP[Ala844Thr]DGKTGTPAVT

ClinVar aggregate classification (germline): Uncertain significance (1 of 4 stars; one submission).

Conditions:
ALMS1-related disorder. Also called: ALMS1-related condition.

Allele frequency attached by ClinVar (database versions not stated): gnomAD exomes below 0.00001.
gnomAD v4.1: 1 of 1,614,134 alleles (0.000062%); highest among the groups gnomAD compares: Non-Finnish European, 0.000085%; no homozygotes.

Submission:

PreventionGenetics, part of Exact Sciences
Classification: Uncertain significance for ALMS1-related condition. Last evaluated: 2023-02-14. Review status: criteria provided, single submitter. Criteria: ACMG Guidelines, 2015. Collection method: clinical testing. Allele origin: germline.
Comment: The ALMS1 c.2533G>A variant is predicted to result in the amino acid substitution p.Gly845Arg. This variant was reported in one patient from a vision loss cohort (Table S12 in Diñeiro. 2020. PubMed ID: 32483926, described as p.Gly847Arg). This variant is reported in 0.083% of alleles in individuals of African descent in gnomAD. Although we suspect that this variant may be benign, at this time, the clinical significance of this variant is uncertain due to the absence of conclusive functional and genetic evidence.